The following is an entry in ClinVar:

NM_004525.3(LRP2):c.964C>T (p.His322Tyr)

Gene: LRP2 (LDL receptor related protein 2; minus strand). Cytogenetic location: 2q31.1.
Variant type: single nucleotide variant.
Coding change: c.964C>T on transcript NM_004525.3 (MANE Select); coding-DNA position 964, C replaced by T.
Protein change: p.His322Tyr; replaces histidine 322 with tyrosine.
Molecular consequence: missense variant.
Genome position (GRCh38, 1-based): chr2:169,289,104, G>A on the plus strand (C>T on the coding strand, the complement: LRP2 is on the minus strand). VCF-style: chr2-169289104-G-A. GRCh37 (hg19) VCF-style: chr2-170145614-G-A.
Other names: short protein forms H322Y.
Identifiers: ClinVar variation 453042 (VCV000453042.4), dbSNP rs376263739, ClinGen allele CA1955696.

ClinVar aggregate classification (germline): Uncertain significance. Review status: criteria provided, multiple submitters, no conflicts (2 of 4 stars). 2 submissions from 2 submitters: Uncertain significance (2). Last evaluated 2022-08-08.

Allele frequency attached by ClinVar (database versions not stated): gnomAD exomes 0.00001 and 0.00003; ExAC 0.00002; ESP Exome Variant Server 0.00008; gnomAD 0.00009 and 0.00011; TOPMed 0.00009.
gnomAD v4.1: 28 of 1,614,026 alleles (0.0017%); highest among the groups gnomAD compares: African/African-American, 0.036%; no homozygotes.

Submissions (2):

Labcorp Genetics (formerly Invitae), Labcorp
Classification: Uncertain significance. Last evaluated: 2022-08-08. Review status: criteria provided, single submitter. Criteria: Invitae Variant Classification Sherloc (09022015). Collection method: clinical testing. Allele origin: germline.
Comment: This sequence change replaces histidine, which is basic and polar, with tyrosine, which is neutral and polar, at codon 322 of the LRP2 protein (p.His322Tyr). This variant is present in population databases (rs376263739, gnomAD 0.05%). This variant has not been reported in the literature in individuals affected with LRP2-related conditions. ClinVar contains an entry for this variant (Variation ID: 453042). Advanced modeling of protein sequence and biophysical properties (such as structural, functional, and spatial information, amino acid conservation, physicochemical variation, residue mobility, and thermodynamic stability) performed at Invitae indicates that this missense variant is expected to disrupt LRP2 protein function. In summary, the available evidence is currently insufficient to determine the role of this variant in disease. Therefore, it has been classified as a Variant of Uncertain Significance.

GeneDx
Classification: Uncertain significance. Last evaluated: 2017-11-01. Review status: criteria provided, single submitter. Criteria: GeneDx Variant Classification (06012015). Collection method: clinical testing. Allele origin: germline. Affected: yes.
Comment: The H322Y variant in the LRP2 gene has not been reported previously as a pathogenic variant, nor as a benign variant, to our knowledge. Although not observed in the homozygous state, the H322Y variant is observed in 11/24028 (0.05%) alleles from individuals of African background in large population cohorts (Lek et al., 2016). The H322Y variant is a non-conservative amino acid substitution, which is likely to impact secondary protein structure as these residues differ in polarity, charge, size and/or other properties. This substitution occurs at a position that is conserved across species, and in silico analysis predicts this variant is probably damaging to the protein structure/function. We interpret H322Y as a variant of uncertain significance.